The following is an entry in ClinVar:

ClinVar aggregate classification (germline): Uncertain significance (1 of 4 stars; one submission).

Conditions:
FLNA-related disorder.

gnomAD v4.1: 1 of 1,210,496 alleles (0.000083%); highest among the groups gnomAD compares: Non-Finnish European, 0.00011%; no homozygotes.

Submission:

PreventionGenetics, part of Exact Sciences
Classification: Uncertain significance for FLNA-related condition. Last evaluated: 2026-07-06. Review status: criteria provided, single submitter. Criteria: ACMG Guidelines, 2015. Collection method: clinical testing. Allele origin: germline.
Comment: The FLNA c.3059T>C variant is predicted to result in the amino acid substitution p.Val1020Ala. To our knowledge, this variant has not been reported in the literature. This variant is reported in 0.0012% of alleles in individuals of European (Non-Finnish) descent in gnomAD. At this time, the clinical significance of this variant is uncertain due to the absence of conclusive functional and genetic evidence.

NM_001110556.2(FLNA):c.3059T>C (p.Val1020Ala)

Gene: FLNA (filamin A; minus strand). Cytogenetic location: Xq28.
Variant type: single nucleotide variant.
Coding change: c.3059T>C on transcript NM_001110556.2 (MANE Select); coding-DNA position 3059, T replaced by C.
Protein change: p.Val1020Ala; replaces valine 1020 with alanine.
Molecular consequence: missense variant.
Genome position (GRCh38, 1-based): chrX:154,361,456, A>G on the plus strand (T>C on the coding strand, the complement: FLNA is on the minus strand). VCF-style: chrX-154361456-A-G. GRCh37 (hg19) VCF-style: chrX-153589824-A-G.
Other names: c.3059T>C, p.Val1020Ala (NM_001456.4); short protein forms V1020A.
Identifiers: ClinVar variation 4990878 (VCV004990878.1).